The following is an entry in ClinVar:

ClinVar aggregate classification (germline): Uncertain significance (1 of 4 stars; one submission).

Submission:

GeneDx
Classification: Uncertain significance. Last evaluated: 2026-03-30. Review status: criteria provided, single submitter. Criteria: GeneDx Variant Classification Process June 2021. Collection method: clinical testing. Allele origin: germline.
Comment: Not observed at significant frequency in large population cohorts (gnomAD); In silico analysis suggests that this missense variant does not alter protein structure/function; Has not been previously published as pathogenic or benign to our knowledge

NM_004586.3(RPS6KA3):c.2204T>C (p.Ile735Thr)

Gene: RPS6KA3 (ribosomal protein S6 kinase A3; minus strand). Cytogenetic location: Xp22.12.
Variant type: single nucleotide variant.
Coding change: c.2204T>C on transcript NM_004586.3 (MANE Select); coding-DNA position 2204, T replaced by C.
Protein change: p.Ile735Thr; replaces isoleucine 735 with threonine.
Molecular consequence: missense variant.
Genome position (GRCh38, 1-based): chrX:20,155,417, A>G on the plus strand (T>C on the coding strand, the complement: RPS6KA3 is on the minus strand). VCF-style: chrX-20155417-A-G. GRCh37 (hg19) VCF-style: chrX-20173535-A-G.
Other names: c.2120T>C, p.Ile707Thr (NM_001438340.1); short protein forms I707T, I735T.
Identifiers: ClinVar variation 5017548 (VCV005017548.1).